The following is an entry in ClinVar:

NM_015991.4(C1QA):c.179G>A (p.Arg60Gln)

Gene: C1QA (complement C1q A chain; plus strand). Cytogenetic location: 1p36.12.
Variant type: single nucleotide variant.
Coding change: c.179G>A on transcript NM_015991.4 (MANE Select); coding-DNA position 179, G replaced by A.
Protein change: p.Arg60Gln; replaces arginine 60 with glutamine.
Molecular consequence: missense variant.
Genome position (GRCh38, 1-based): chr1:22,638,848, G>A. VCF-style: chr1-22638848-G-A. GRCh37 (hg19) VCF-style: chr1-22965341-G-A.
Other names: c.179G>A, p.Arg60Gln (NM_001347465.2, NM_001347466.2); c.179G>A (NM_015991.2); short protein forms R60Q.
Identifiers: ClinVar variation 1427879 (VCV001427879.4), dbSNP rs772544683, ClinGen allele CA677738.

ClinVar aggregate classification (germline): Uncertain significance. Review status: criteria provided, multiple submitters, no conflicts (2 of 4 stars). 2 submissions from 2 submitters: Uncertain significance (2). Last evaluated 2023-09-23.

Conditions:
Inborn genetic diseases. Identifiers: MedGen C0950123, MeSH D030342.

Allele frequency attached by ClinVar (database versions not stated): gnomAD exomes 0.00013; gnomAD 0.00014 and 0.00016; TOPMed 0.00018; ExAC 0.00045.

Submissions (2):

Ambry Genetics
Classification: Uncertain significance for Inborn genetic diseases. Last evaluated: 2023-09-23. Review status: criteria provided, single submitter. Criteria: Ambry Variant Classification Scheme 2023. Collection method: clinical testing. Allele origin: germline.

Labcorp Genetics (formerly Invitae), Labcorp
Classification: Uncertain significance. Last evaluated: 2022-09-13. Review status: criteria provided, single submitter. Criteria: Invitae Variant Classification Sherloc (09022015). Collection method: clinical testing. Allele origin: germline.
Comment: This sequence change replaces arginine, which is basic and polar, with glutamine, which is neutral and polar, at codon 60 of the C1QA protein (p.Arg60Gln). This variant is present in population databases (rs772544683, gnomAD 0.02%). This variant has not been reported in the literature in individuals affected with C1QA-related conditions. ClinVar contains an entry for this variant (Variation ID: 1427879). Algorithms developed to predict the effect of missense changes on protein structure and function output the following: SIFT: "Tolerated"; PolyPhen-2: "Benign"; Align-GVGD: "Class C0". The glutamine amino acid residue is found in multiple mammalian species, which suggests that this missense change does not adversely affect protein function. Algorithms developed to predict the effect of sequence changes on RNA splicing suggest that this variant may create or strengthen a splice site. In summary, the available evidence is currently insufficient to determine the role of this variant in disease. Therefore, it has been classified as a Variant of Uncertain Significance.